The following is an entry in ClinVar:

ClinVar aggregate classification (germline): Uncertain significance. Review status: criteria provided, multiple submitters, no conflicts (2 of 4 stars). 7 submissions from 7 submitters: Uncertain significance (6). 1 of the submissions does not count toward it. Last evaluated 2025-08-09.

Conditions:
Inborn genetic diseases. Identifiers: MedGen C0950123, MeSH D030342.
TRIM32-related disorder. Also called: TRIM32-related condition.
Bardet-Biedl syndrome (BBS). Identifiers: Orphanet 110, MedGen C0752166, MONDO:0015229.
Bardet-Biedl syndrome 11 (BBS11). Identifiers: Orphanet 110, MedGen C1859569, MONDO:0014439, OMIM 615988.
Sarcotubular myopathy (LGMDR8). Also called: Autosomal recessive limb-girdle muscular dystrophy type 2H; MUSCULAR DYSTROPHY, LIMB-GIRDLE, AUTOSOMAL RECESSIVE 8; Limb-girdle muscular dystrophy, type 2H; Hutterite type of muscular dystrophy. Identifiers: Orphanet 1878, MedGen C0270968, MONDO:0009683, OMIM 254110.

Allele frequency attached by ClinVar (database versions not stated): gnomAD 0.00004 and 0.00001; ExAC 0.00007; gnomAD exomes 0.00002 and 0.00003; TOPMed 0.00002; 1000 Genomes Project 30x 0.00062; 1000 Genomes Project 0.00080.
gnomAD v4.1: 34 of 1,614,086 alleles (0.0021%); highest among the groups gnomAD compares: Middle Eastern, 0.033%; no homozygotes.

Submissions (7):

Ambry Genetics
Classification: Uncertain significance for Inborn genetic diseases. Last evaluated: 2025-08-09. Review status: criteria provided, single submitter. Criteria: Ambry Variant Classification Scheme 2023. Collection method: clinical testing. Allele origin: germline.

Revvity Omics, Revvity
Classification: Uncertain significance. Last evaluated: 2025-07-08. Review status: criteria provided, single submitter. Criteria: ACMG Guidelines, 2015. Collection method: clinical testing. Allele origin: germline.

GeneDx
Classification: Uncertain significance. Last evaluated: 2024-11-19. Review status: criteria provided, single submitter. Criteria: GeneDx Variant Classification Process June 2021. Collection method: clinical testing. Allele origin: germline. Affected: yes.
Comment: In silico analysis indicates that this missense variant does not alter protein structure/function; Has not been previously published as pathogenic or benign to our knowledge

Labcorp Genetics (formerly Invitae), Labcorp
Classification: Uncertain significance for Bardet-Biedl syndrome. Last evaluated: 2022-08-01. Review status: criteria provided, single submitter. Criteria: Invitae Variant Classification Sherloc (09022015). Collection method: clinical testing. Allele origin: germline.
Comment: This sequence change replaces isoleucine, which is neutral and non-polar, with valine, which is neutral and non-polar, at codon 230 of the TRIM32 protein (p.Ile230Val). This variant is present in population databases (rs139113969, gnomAD 0.02%). This variant has not been reported in the literature in individuals affected with TRIM32-related conditions. ClinVar contains an entry for this variant (Variation ID: 567015). Algorithms developed to predict the effect of missense changes on protein structure and function output the following: SIFT: "Deleterious"; PolyPhen-2: "Benign"; Align-GVGD: "Class C25". The valine amino acid residue is found in multiple mammalian species, which suggests that this missense change does not adversely affect protein function. In summary, the available evidence is currently insufficient to determine the role of this variant in disease. Therefore, it has been classified as a Variant of Uncertain Significance.

Fulgent Genetics
Classification: Uncertain significance for Sarcotubular myopathy; Bardet-Biedl syndrome 11. Last evaluated: 2021-07-12. Review status: criteria provided, single submitter. Criteria: ACMG Guidelines, 2015. Collection method: clinical testing. Allele origin: unknown.

Eurofins Ntd Llc (ga)
Classification: Uncertain significance. Last evaluated: 2018-08-20. Review status: criteria provided, single submitter. Criteria: EGL ClinVar v180209 classification definitions. Collection method: clinical testing. Allele origin: germline. Observed: 1 variant allele, 1 heterozygote.

PreventionGenetics, part of Exact Sciences
Classification: Uncertain significance for TRIM32-related condition. Last evaluated: 2024-04-09. Review status: no assertion criteria provided. Collection method: clinical testing. Allele origin: germline. Not counted in ClinVar's aggregate classification.
Comment: The TRIM32 c.688A>G variant is predicted to result in the amino acid substitution p.Ile230Val. To our knowledge, this variant has not been reported in the literature. This variant is reported in 0.018% of alleles in individuals of African descent in gnomAD. At this time, the clinical significance of this variant is uncertain due to the absence of conclusive functional and genetic evidence.

NM_012210.4(TRIM32):c.688A>G (p.Ile230Val)

Genes: ASTN2 (astrotactin 2; minus strand), TRIM32 (tripartite motif containing 32; plus strand). Cytogenetic location: 9q33.1.
Variant type: single nucleotide variant.
Coding change: c.688A>G on transcript NM_012210.4 (MANE Select); coding-DNA position 688, A replaced by G.
Protein change: p.Ile230Val; replaces isoleucine 230 with valine.
Molecular consequence: missense variant. On other transcripts: intron variant (3).
Genome position (GRCh38, 1-based): chr9:116,698,430, A>G. VCF-style: chr9-116698430-A-G. GRCh37 (hg19) VCF-style: chr9-119460709-A-G.
Other names: c.688A>G, p.Ile230Val (NM_001099679.2, NM_001379048.1, NM_001379049.1 and 1 more transcripts); c.2653+27341T>C (NM_014010.5); c.2794+27341T>C (NM_001365069.1); c.2806+27341T>C (NM_001365068.1); short protein forms I230V.
Identifiers: ClinVar variation 567015 (VCV000567015.18), dbSNP rs139113969, ClinGen allele CA5211023.
Genomic context (GRCh38, chr9:116,698,430, plus strand): 5'-TTGGCTGAAGTTGAGAAGTCCAATAGTCAAGTGGTAGAGGAGCAGAGTTACCTGCTTAAC[A>G]TTGCAGAGGTGCAGGCTGTGTCTCGCTGTGACTACTTCCTGGCCAAGATCAAGCAGGCAG-3'
Protein context (NP_036342.2, residues 220-240): VVEEQSYLLN[Ile230Val]AEVQAVSRCD